The following is an entry in ClinVar:

ClinVar aggregate classification (germline): Uncertain significance (0 of 4 stars; one submission).

Conditions:
SETD5-related disorder. Also called: SETD5-related disorders; SETD5-related condition.

Submission:

PreventionGenetics, part of Exact Sciences
Classification: Uncertain significance for SETD5-related condition. Last evaluated: 2023-11-01. Review status: no assertion criteria provided. Collection method: clinical testing. Allele origin: germline.
Comment: The SETD5 c.1518C>G variant is predicted to result in the amino acid substitution p.Ser506Arg. To our knowledge, this variant has not been reported in the literature or in a large population database, indicating this variant is rare. At this time, the clinical significance of this variant is uncertain due to the absence of conclusive functional and genetic evidence.

NM_001080517.3(SETD5):c.1518C>G (p.Ser506Arg)

Gene: SETD5 (SET domain containing 5; plus strand). Cytogenetic location: 3p25.3.
Variant type: single nucleotide variant.
Coding change: c.1518C>G on transcript NM_001080517.3 (MANE Select); coding-DNA position 1518, C replaced by G.
Protein change: p.Ser506Arg; replaces serine 506 with arginine.
Molecular consequence: missense variant.
Genome position (GRCh38, 1-based): chr3:9,445,734, C>G. VCF-style: chr3-9445734-C-G. GRCh37 (hg19) VCF-style: chr3-9487418-C-G.
Other names: c.1224C>G, p.Ser408Arg (NM_001292043.2, NM_001349451.2); short protein forms S408R, S506R.
Identifiers: ClinVar variation 3046250 (VCV003046250.2), dbSNP rs2472855997, ClinGen allele CA351694240.